The following is an entry in ClinVar:

NM_024407.5(NDUFS7):c.246G>A (p.Met82Ile)

Gene: NDUFS7 (NADH:ubiquinone oxidoreductase core subunit S7; plus strand). Cytogenetic location: 19p13.3.
Variant type: single nucleotide variant.
Coding change: c.246G>A on transcript NM_024407.5 (MANE Select); coding-DNA position 246, G replaced by A.
Protein change: p.Met82Ile; replaces methionine 82 with isoleucine.
Molecular consequence: missense variant.
Genome position (GRCh38, 1-based): chr19:1,390,888, G>A. VCF-style: chr19-1390888-G-A. GRCh37 (hg19) VCF-style: chr19-1390887-G-A.
Other names: c.246G>A, p.Met82Ile (NM_001363602.2); short protein forms M82I.
Identifiers: ClinVar variation 1429748 (VCV001429748.3), dbSNP rs757232578, ClinGen allele CA9043320.
Genomic context (GRCh38, chr19:1,390,888, plus strand): 5'-GGGGCTCCGGGGGTGGCGTCTGACCCGAGCCCGGCCTCCGCAGAGTTCTCTGTGGCCCAT[G>A]ACCTTCGGCCTGGCCTGCTGCGCCGTGGAGATGATGCACATGGCAGCACCCCGCTACGAC-3'
Protein context (NP_077718.3, residues 72-92): NWARRSSLWP[Met82Ile]TFGLACCAVE

ClinVar aggregate classification (germline): Uncertain significance (1 of 4 stars; one submission).

Allele frequency attached by ClinVar (database versions not stated): gnomAD 0.00001; gnomAD exomes 0.00003 and 0.00005; TOPMed 0.00005; ExAC 0.00007.

Submission:

Labcorp Genetics (formerly Invitae), Labcorp
Classification: Uncertain significance. Last evaluated: 2022-06-28. Review status: criteria provided, single submitter. Criteria: Invitae Variant Classification Sherloc (09022015). Collection method: clinical testing. Allele origin: germline.
Comment: This sequence change replaces methionine, which is neutral and non-polar, with isoleucine, which is neutral and non-polar, at codon 82 of the NDUFS7 protein (p.Met82Ile). This variant is present in population databases (rs757232578, gnomAD 0.04%). This variant has not been reported in the literature in individuals affected with NDUFS7-related conditions. Algorithms developed to predict the effect of missense changes on protein structure and function are either unavailable or do not agree on the potential impact of this missense change (SIFT: "Tolerated"; PolyPhen-2: "Possibly Damaging"; Align-GVGD: "Class C0"). In summary, the available evidence is currently insufficient to determine the role of this variant in disease. Therefore, it has been classified as a Variant of Uncertain Significance.